The following is an entry in ClinVar:

NM_004415.4(DSP):c.1435G>C (p.Gly479Arg)

Gene: DSP (desmoplakin; plus strand). Cytogenetic location: 6p24.3.
Variant type: single nucleotide variant.
Coding change: c.1435G>C on transcript NM_004415.4 (MANE Select); coding-DNA position 1435, G replaced by C.
Protein change: p.Gly479Arg; replaces glycine 479 with arginine.
Molecular consequence: missense variant.
Genome position (GRCh38, 1-based): chr6:7,569,201, G>C. VCF-style: chr6-7569201-G-C. GRCh37 (hg19) VCF-style: chr6-7569434-G-C.
Other names: c.1435G>C, p.Gly479Arg (NM_001008844.3, NM_001319034.2); short protein forms G479R.
Identifiers: ClinVar variation 1171181 (VCV001171181.10), dbSNP rs1288305110, ClinGen allele CA362677370.

ClinVar aggregate classification (germline): Uncertain significance. Review status: criteria provided, multiple submitters, no conflicts (2 of 4 stars). 3 submissions from 3 submitters: Uncertain significance (3). Last evaluated 2024-03-06.

Conditions:
Cardiovascular phenotype. Identifiers: MedGen CN230736.
Arrhythmogenic cardiomyopathy with wooly hair and keratoderma. Also called: Dilated cardiomyopathy with woolly hair and keratoderma; PALMOPLANTAR KERATODERMA WITH LEFT VENTRICULAR CARDIOMYOPATHY AND WOOLLY HAIR; Carvajal syndrome; Arrhythmogenic cardiomyopathy with woolly hair and keratoderma. Identifiers: Orphanet 65282, MedGen C1854063, MONDO:0011581, OMIM 605676.
Arrhythmogenic right ventricular dysplasia 8 (ARVD8). Also called: Arrhythmogenic Right Ventricular Dysplasia/Cardiomyopathy 8; ARRHYTHMOGENIC RIGHT VENTRICULAR DYSPLASIA, FAMILIAL, 8; ARRHYTHMOGENIC RIGHT VENTRICULAR CARDIOMYOPATHY 8. Identifiers: MedGen C1843896, MONDO:0011831, OMIM 607450.
Cardiomyopathy (CMYO). Also called: Cardiomyopathies. Identifiers: Orphanet 167848, MedGen C0878544, MONDO:0004994, HP:0001638. Inheritance: Various modes of inheritance.

Submissions (3):

Color Diagnostics, LLC DBA Color Health
Classification: Uncertain significance for Cardiomyopathy. Last evaluated: 2024-03-06. Review status: criteria provided, single submitter. Criteria: ACMG Guidelines, 2015. Collection method: clinical testing. Allele origin: germline.
Comment: This missense variant replaces glycine with arginine at codon 479 of the DSP protein. Computational prediction suggests that this variant may have deleterious impact on protein structure and function (internally defined REVEL score threshold >= 0.7, PMID: 27666373). To our knowledge, functional studies have not been reported for this variant. This variant has not been reported in individuals affected with cardiovascular disorders in the literature. This variant has not been identified in the general population by the Genome Aggregation Database (gnomAD). The available evidence is insufficient to determine the role of this variant in disease conclusively. Therefore, this variant is classified as a Variant of Uncertain Significance.

Ambry Genetics
Classification: Uncertain significance for Cardiovascular phenotype. Last evaluated: 2023-07-21. Review status: criteria provided, single submitter. Criteria: Ambry Variant Classification Scheme 2023. Collection method: clinical testing. Allele origin: germline.
Comment: The p.G479R variant (also known as c.1435G>C), located in coding exon 12 of the DSP gene, results from a G to C substitution at nucleotide position 1435. The glycine at codon 479 is replaced by arginine, an amino acid with dissimilar properties. This amino acid position is conserved. In addition, this alteration is predicted to be deleterious by in silico analysis. Since supporting evidence is limited at this time, the clinical significance of this alteration remains unclear.

Labcorp Genetics (formerly Invitae), Labcorp
Classification: Uncertain significance for Arrhythmogenic cardiomyopathy with wooly hair and keratoderma; Arrhythmogenic right ventricular dysplasia 8. Last evaluated: 2022-07-05. Review status: criteria provided, single submitter. Criteria: Invitae Variant Classification Sherloc (09022015). Collection method: clinical testing. Allele origin: germline.
Comment: This sequence change replaces glycine, which is neutral and non-polar, with arginine, which is basic and polar, at codon 479 of the DSP protein (p.Gly479Arg). This variant is not present in population databases (gnomAD no frequency). This variant has not been reported in the literature in individuals affected with DSP-related conditions. ClinVar contains an entry for this variant (Variation ID: 1171181). Algorithms developed to predict the effect of missense changes on protein structure and function are either unavailable or do not agree on the potential impact of this missense change (SIFT: "Deleterious"; PolyPhen-2: "Probably Damaging"; Align-GVGD: "Class C15"). In summary, the available evidence is currently insufficient to determine the role of this variant in disease. Therefore, it has been classified as a Variant of Uncertain Significance.